The following is an entry in ClinVar:

NM_016222.4(DDX41):c.68C>T (p.Ser23Phe)

Gene: DDX41 (DEAD-box helicase 41; minus strand). Cytogenetic location: 5q35.3.
Variant type: single nucleotide variant.
Coding change: c.68C>T on transcript NM_016222.4 (MANE Select); coding-DNA position 68, C replaced by T.
Protein change: p.Ser23Phe; replaces serine 23 with phenylalanine.
Molecular consequence: missense variant. On other transcripts: 5 prime UTR variant (2).
Genome position (GRCh38, 1-based): chr5:177,516,795, G>A on the plus strand (C>T on the coding strand, the complement: DDX41 is on the minus strand). VCF-style: chr5-177516795-G-A. GRCh37 (hg19) VCF-style: chr5-176943796-G-A.
Other names: c.68C>T (NM_016222.2); c.-588C>T (NM_001321732.2); c.-380C>T (NM_001321830.2); short protein forms S23F.
Identifiers: ClinVar variation 2674789 (VCV002674789.2), dbSNP rs755765308, ClinGen allele CA3585388.
Genomic context (GRCh38, chr5:177,516,795, plus strand): 5'-CGGCGCTGCCGTAACGGCACATAGGGCACGTAGTCCTCGTCGTCCTCATCTTCCGCCTCG[G>A]AGCGGCTTCCTCCGGCAGGCACCTCGTCGGTGCGAGCCCGCTGCAAGCACACGCCAGTCA-3'
Protein context (NP_057306.2, residues 13-33): TDEVPAGGSR[Ser23Phe]EAEDEDDEDY

ClinVar aggregate classification (germline): Uncertain significance. Review status: criteria provided, multiple submitters, no conflicts (2 of 4 stars). 2 submissions from 2 submitters: Uncertain significance (2). Last evaluated 2023-06-13.

Conditions:
DDX41-related hematologic malignancy predisposition syndrome. Also called: Myeloproliferative/lymphoproliferative neoplasms, familial (multiple types), susceptibility to; DDX41-Associated Familial Myelodysplastic Syndrome and Acute Myeloid Leukemia. Identifiers: Orphanet 488647, MedGen C4225174, MONDO:0014809, OMIM 616871.

Allele frequency attached by ClinVar (database versions not stated): gnomAD exomes below 0.00001.
gnomAD v4.1: 1 of 1,612,740 alleles (0.000062%); highest among the groups gnomAD compares: South Asian, 0.0011%; no homozygotes.

Submissions (2):

GeneDx
Classification: Uncertain significance. Last evaluated: 2023-06-13. Review status: criteria provided, single submitter. Criteria: GeneDx Variant Classification Process June 2021. Collection method: clinical testing. Allele origin: germline. Affected: yes.
Comment: Not observed at significant frequency in large population cohorts (gnomAD); In silico analysis supports that this missense variant does not alter protein structure/function; Has not been previously published as pathogenic or benign to our knowledge

Baylor Genetics
Classification: Uncertain significance for DDX41-related hematologic malignancy predisposition syndrome. Last evaluated: 2023-05-05. Review status: criteria provided, single submitter. Criteria: ACMG Guidelines, 2015. Collection method: clinical testing. Allele origin: unknown.